The following is an entry in ClinVar:

NM_000179.3(MSH6):c.3834dup (p.Ser1279fs)

Gene: MSH6 (mutS homolog 6; plus strand). Cytogenetic location: 2p16.3.
Variant type: Duplication.
Coding change: c.3834dup on transcript NM_000179.3 (MANE Select); coding-DNA position 3834, one base duplicated (C; older notation c.3834dupC).
Protein change: p.Ser1279fs; shifts the reading frame from serine 1279.
Molecular consequence: frameshift variant. On other transcripts: non-coding transcript variant (5), intron variant (1).
Genome position (GRCh38, 1-based): chr2:47,806,484, C duplicated; the last of 4 consecutive C bases (chr2:47,806,481-47,806,484); duplicating any one gives the same sequence. VCF-style (leftmost placement, unchanged base first): chr2-47806480-A-AC. GRCh37 (hg19) VCF-style: chr2-48033619-A-AC.
Other names: c.2928dup, p.Ser977fs (NM_001406811.1, NM_001406812.1, NM_001406816.1 and 6 more transcripts); c.3537dup, p.Ser1180fs (NM_001406818.1, NM_001406819.1, NM_001406797.1 and 10 more transcripts); c.2268dup, p.Ser757fs (NM_001406817.1); c.3840dup, p.Ser1281fs (NM_001406813.1); c.3444dup, p.Ser1149fs (NM_001281492.2); c.3930dup, p.Ser1311fs (NM_001406795.1); c.3834dup, p.Ser1279fs (NM_001406796.1, NM_001406808.1, NM_001406809.1); c.3660dup, p.Ser1221fs (NM_001406798.1); and 10 more; short protein forms A1275fs, S1104fs, S1149fs, S1180fs, S1221fs, S1223fs, S1253fs, S1279fs.
Identifiers: ClinVar variation 2673638 (VCV002673638.2), dbSNP rs2104553373, ClinGen allele CA2695200629.

ClinVar aggregate classification (germline): Pathogenic. Review status: criteria provided, multiple submitters, no conflicts (2 of 4 stars). 2 submissions from 2 submitters: Pathogenic (2). Last evaluated 2024-09-27.

Conditions:
Hereditary cancer-predisposing syndrome. Also called: Tumor predisposition; Hereditary neoplastic syndrome; Neoplastic Syndromes, Hereditary; Hereditary Cancer Syndrome. Identifiers: Orphanet 140162, MedGen C0027672, MeSH D009386, MONDO:0015356.
Lynch syndrome 5 (LYNCH5). Also called: Colorectal cancer, hereditary nonpolyposis, type 5; Hereditary non-polyposis colorectal cancer, type 5. Identifiers: Orphanet 144, MedGen C1833477, MONDO:0013710, OMIM 614350. Disease mechanism: loss of function.

Submissions (2):

Ambry Genetics
Classification: Pathogenic for Hereditary cancer-predisposing syndrome. Last evaluated: 2024-09-27. Review status: criteria provided, single submitter. Criteria: Ambry Variant Classification Scheme 2023. Collection method: clinical testing. Allele origin: germline.
Comment: The c.3834dupC pathogenic mutation, located in coding exon 9 of the MSH6 gene, results from a duplication of C at nucleotide position 3834, causing a translational frameshift with a predicted alternate stop codon (p.S1279Qfs*10). This variant is considered to be rare based on population cohorts in the Genome Aggregation Database (gnomAD). This alteration is expected to result in loss of function by premature protein truncation or nonsense-mediated mRNA decay. As such, this alteration is interpreted as a disease-causing mutation.

Myriad Genetics, Inc.
Classification: Pathogenic for Lynch syndrome 5. Last evaluated: 2023-08-25. Review status: criteria provided, single submitter. Criteria: Myriad Autosomal Dominant, Autosomal Recessive and X-Linked Classification Criteria (2023). Collection method: clinical testing. Allele origin: unknown.
Comment: This variant is considered pathogenic. This variant creates a frameshift predicted to result in premature protein truncation.